The following is an entry in ClinVar:

NM_001145252.3(CFP):c.1301G>A (p.Arg434Lys)

Gene: CFP (complement factor properdin; minus strand). Cytogenetic location: Xp11.23.
Variant type: single nucleotide variant.
Coding change: c.1301G>A on transcript NM_001145252.3 (MANE Select); coding-DNA position 1301, G replaced by A.
Protein change: p.Arg434Lys; replaces arginine 434 with lysine.
Molecular consequence: missense variant.
Genome position (GRCh38, 1-based): chrX:47,624,384, C>T on the plus strand (G>A on the coding strand, the complement: CFP is on the minus strand). VCF-style: chrX-47624384-C-T. GRCh37 (hg19) VCF-style: chrX-47483783-C-T.
Other names: c.1301G>A, p.Arg434Lys (NM_002621.2); short protein forms R434K.
Identifiers: ClinVar variation 2817435 (VCV002817435.3), dbSNP rs2519715083, ClinGen allele CA412834537.

ClinVar aggregate classification (germline): Uncertain significance (1 of 4 stars; one submission).

Submission:

Labcorp Genetics (formerly Invitae), Labcorp
Classification: Uncertain significance. Last evaluated: 2022-12-07. Review status: criteria provided, single submitter. Criteria: Invitae Variant Classification Sherloc (09022015). Collection method: clinical testing. Allele origin: germline.
Comment: This sequence change replaces arginine, which is basic and polar, with lysine, which is basic and polar, at codon 434 of the CFP protein (p.Arg434Lys). In summary, the available evidence is currently insufficient to determine the role of this variant in disease. Therefore, it has been classified as a Variant of Uncertain Significance. Advanced modeling of protein sequence and biophysical properties (such as structural, functional, and spatial information, amino acid conservation, physicochemical variation, residue mobility, and thermodynamic stability) performed at Invitae indicates that this missense variant is not expected to disrupt CFP protein function. This variant has not been reported in the literature in individuals affected with CFP-related conditions. This variant is not present in population databases (gnomAD no frequency).